The following is an entry in ClinVar:

NM_004628.5(XPC):c.1475G>A (p.Arg492His)

Gene: XPC (XPC complex subunit, DNA damage recognition and repair factor; minus strand). Cytogenetic location: 3p25.1.
Variant type: single nucleotide variant.
Coding change: c.1475G>A on transcript NM_004628.5 (MANE Select); coding-DNA position 1475, G replaced by A.
Protein change: p.Arg492His; replaces arginine 492 with histidine.
Molecular consequence: missense variant. On other transcripts: non-coding transcript variant (2).
Genome position (GRCh38, 1-based): chr3:14,158,408, C>T on the plus strand (G>A on the coding strand, the complement: XPC is on the minus strand). VCF-style: chr3-14158408-C-T. GRCh37 (hg19) VCF-style: chr3-14199908-C-T.
Other names: c.896G>A, p.Arg299His (NM_001354726.2); c.1475G>A, p.Arg492His (NM_001354727.2, NM_001354730.2); c.1457G>A, p.Arg486His (NM_001354729.2); short protein forms R492H, R299H, R486H.
Identifiers: ClinVar variation 135489 (VCV000135489.24), dbSNP rs2227999, ClinGen allele CA162927.

ClinVar aggregate classification (germline): Benign/Likely benign. Review status: criteria provided, multiple submitters, no conflicts (2 of 4 stars). 11 submissions from 10 submitters: Benign (7); Likely benign (2). 2 of the submissions do not count toward it. Last evaluated 2026-02-04.

Conditions:
XPC-related disorder. Also called: XPC-related condition.
Xeroderma pigmentosum group A (XPA). Also called: Xeroderma pigmentosum, complementation group A; XP, group A; XPA-Related Xeroderma Pigmentosum. Identifiers: Orphanet 910, MedGen C0268135, MONDO:0010210, OMIM 278700.
Xeroderma pigmentosum, group C (XPC). Also called: Xeroderma pigmentosum, complementation group C; XERODERMA PIGMENTOSUM III; XP, GROUP C; XPC-Related Xeroderma Pigmentosum. Identifiers: Orphanet 910, MedGen C2752147, MONDO:0010211, OMIM 278720.

Allele frequency attached by ClinVar (database versions not stated): 1000 Genomes Project 0.02316; 1000 Genomes Project 30x 0.02405; TOPMed 0.03842; gnomAD 0.03948 and 0.03986; gnomAD exomes 0.04213 and 0.05172; ExAC 0.04254; ESP Exome Variant Server 0.04650.
gnomAD v4.1: 81,331 of 1,613,866 alleles (5%); highest among the groups gnomAD compares: Non-Finnish European, 5.7%; 2,337 homozygotes.

Submissions (11):

Labcorp Genetics (formerly Invitae), Labcorp
Classification: Benign. Last evaluated: 2026-02-04. Review status: criteria provided, single submitter. Criteria: Invitae Variant Classification Sherloc (09022015). Collection method: clinical testing. Allele origin: germline.

KCCC/NGS Laboratory, Kuwait Cancer Control Center
Classification: Benign for Xeroderma pigmentosum, group C. Last evaluated: 2025-02-01. Review status: criteria provided, single submitter. Criteria: ACMG Guidelines, 2015. Collection method: clinical testing. Allele origin: germline. Affected: no.

Blueprint Genetics
Classification: Likely benign. Last evaluated: 2024-11-26. Review status: criteria provided, single submitter. Criteria: ACMG Guidelines, 2015. Collection method: clinical testing. Allele origin: germline.

KCCC/NGS Laboratory, Kuwait Cancer Control Center
Classification: Likely benign for Xeroderma pigmentosum group A. Last evaluated: 2023-07-07. Review status: criteria provided, single submitter. Criteria: ACMG Guidelines, 2015. Collection method: clinical testing. Allele origin: germline. Affected: yes.

Genome-Nilou Lab
Classification: Benign for Xeroderma pigmentosum, group C. Last evaluated: 2021-12-05. Review status: criteria provided, single submitter. Criteria: ACMG Guidelines, 2015. Collection method: clinical testing. Allele origin: germline. Affected: no.

GeneDx
Classification: Benign. Last evaluated: 2019-03-06. Review status: criteria provided, single submitter. Criteria: GeneDx Variant Classification Process June 2021. Collection method: clinical testing. Allele origin: germline. Affected: yes.
Comment: This variant is associated with the following publications: (PMID: 27153395, 17119055, 24728327)

Women's Health and Genetics/Laboratory Corporation of America, LabCorp
Classification: Benign. Last evaluated: 2018-08-27. Review status: criteria provided, single submitter. Criteria: LabCorp Variant Classification Summary - May 2015. Collection method: clinical testing. Allele origin: germline.
Comment: Variant summary: XPC c.1475G>A (p.Arg492His) results in a non-conservative amino acid change in the encoded protein sequence. Four of five in-silico tools predict a benign effect of the variant on protein function. The variant allele was found at a frequency of 0.042 in 276928 control chromosomes in the gnomAD database, including 338 homozygotes. The observed variant frequency is approximately 29-folds higher than the estimated maximal expected allele frequency for a pathogenic variant in XPC causing Xeroderma Pigmentosum phenotype (0.0014), strongly suggesting that the variant is benign. c.1475G>A has been reported in the literature in individuals affected with Xeroderma Pigmentosum (Tamhankar_2015). These report(s) do not provide unequivocal conclusions about association of the variant with Xeroderma Pigmentosum . Co-occurrences with other pathogenic variant(s) in a homozygous state has been reported (XPC c.1243C>T, p.R415X), providing supporting evidence for a benign role. To our knowledge, no experimental evidence demonstrating an impact on protein function has been reported. A ClinVar submission from another clinical diagnostic laboratory (evaluation after 2014) cites the variant as "likely benign." Based on the evidence outlined above, the variant was classified as benign.

Illumina Laboratory Services, Illumina
Classification: Benign for Xeroderma pigmentosum, group C. Last evaluated: 2018-03-06. Review status: criteria provided, single submitter. Criteria: ICSL Variant Classification Criteria 13 December 2019. Collection method: clinical testing. Allele origin: germline.
Comment: This variant was observed in the ICSL laboratory as part of a predisposition screen in an ostensibly healthy population. It had not been previously curated by ICSL or reported in the Human Gene Mutation Database (HGMD: prior to June 1st, 2018), and was therefore a candidate for classification through an automated scoring system. Utilizing variant allele frequency, disease prevalence and penetrance estimates, and inheritance mode, an automated score was calculated to assess if this variant is too frequent to cause the disease. Based on the score and internal cut-off values, a variant classified as benign is not then subjected to further curation. The score for this variant resulted in a classification of benign for this disease.

Breakthrough Genomics
Classification: Benign. Review status: criteria provided, single submitter. Criteria: ACMG Guidelines, 2015. Collection method: not provided. Allele origin: germline. Inheritance: Autosomal recessive inheritance. Affected: yes.

PreventionGenetics, part of Exact Sciences
Classification: Benign for XPC-related condition. Last evaluated: 2019-07-23. Review status: no assertion criteria provided. Collection method: clinical testing. Allele origin: germline. Not counted in ClinVar's aggregate classification.
Comment: This variant is classified as benign based on ACMG/AMP sequence variant interpretation guidelines (Richards et al. 2015 PMID: 25741868, with internal and published modifications).

ITMI
No classification provided. Condition: AllHighlyPenetrant. Last evaluated: 2013-09-19. Review status: no classification provided. Collection method: reference population. Allele origin: germline. Not counted in ClinVar's aggregate classification.
Comment: Please see associated publication for description of ethnicities

Literature cited by the submitters: PubMed 17119055 (cited by Women's Health and Genetics/Laboratory Corporation of America, LabCorp); PubMed 25566891 (cited by Women's Health and Genetics/Laboratory Corporation of America, LabCorp); PubMed 24728327 (cited by ITMI).